The following is an entry in ClinVar:

NM_006231.4(POLE):c.1048C>T (p.His350Tyr)

Gene: POLE (DNA polymerase epsilon, catalytic subunit; minus strand). Cytogenetic location: 12q24.33.
Variant type: single nucleotide variant.
Coding change: c.1048C>T on transcript NM_006231.4 (MANE Select); coding-DNA position 1048, C replaced by T.
Protein change: p.His350Tyr; replaces histidine 350 with tyrosine.
Molecular consequence: missense variant.
Genome position (GRCh38, 1-based): chr12:132,675,793, G>A on the plus strand (C>T on the coding strand, the complement: POLE is on the minus strand). VCF-style: chr12-132675793-G-A. GRCh37 (hg19) VCF-style: chr12-133252379-G-A.
Other names: short protein forms H350Y.
Identifiers: ClinVar variation 2447929 (VCV002447929.2), dbSNP rs1266015028, ClinGen allele CA387361683.
Genomic context (GRCh38, chr12:132,675,793, plus strand): 5'-ACCAGTCAAAAAAGTCCCCGTTGTAGGTGACCATGATGGTGGGTTTGGTCTCCTGGACGT[G>A]TTCAAACCACCTTTGGATCAGATGAGCCTGAACCCAAGTCACAGCAGTCAGAGGTCTGCT-3'
Protein context (NP_006222.2, residues 340-360): EAHLIQRWFE[His350Tyr]VQETKPTIMV

ClinVar aggregate classification (germline): Uncertain significance (1 of 4 stars; one submission).

Conditions:
Hereditary cancer-predisposing syndrome. Also called: Neoplastic Syndromes, Hereditary; Hereditary Cancer Syndrome; Tumor predisposition; Hereditary neoplastic syndrome. Identifiers: Orphanet 140162, MedGen C0027672, MeSH D009386, MONDO:0015356.

Submission:

Ambry Genetics
Classification: Uncertain significance for Hereditary cancer-predisposing syndrome. Last evaluated: 2023-01-23. Review status: criteria provided, single submitter. Criteria: Ambry Variant Classification Scheme 2023. Collection method: clinical testing. Allele origin: germline.
Comment: The p.H350Y variant (also known as c.1048C>T), located in coding exon 11 of the POLE gene, results from a C to T substitution at nucleotide position 1048. The histidine at codon 350 is replaced by tyrosine, an amino acid with similar properties. This amino acid position is highly conserved in available vertebrate species. In addition, the in silico prediction for this alteration is inconclusive. Since supporting evidence is limited at this time, the clinical significance of this alteration remains unclear.